The following is an entry in ClinVar:

ClinVar aggregate classification (germline): Uncertain significance (1 of 4 stars; one submission).

Conditions:
Immunodeficiency 132A. Also called: Herpes simplex encephalitis, susceptibility to, 3. Identifiers: Orphanet 1930, MedGen C3553868, MONDO:0013920, OMIM 614849.

Allele frequency attached by ClinVar (database versions not stated): gnomAD exomes below 0.00001.
gnomAD v4.1: 4 of 1,614,104 alleles (0.00025%); highest among the groups gnomAD compares: Admixed American, 0.0017%; no homozygotes.

Submission:

Labcorp Genetics (formerly Invitae), Labcorp
Classification: Uncertain significance for Immunodeficiency 132A. Last evaluated: 2023-05-16. Review status: criteria provided, single submitter. Criteria: Invitae Variant Classification Sherloc (09022015). Collection method: clinical testing. Allele origin: germline.
Comment: This sequence change replaces proline, which is neutral and non-polar, with serine, which is neutral and polar, at codon 10 of the TRAF3 protein (p.Pro10Ser). This variant is present in population databases (no rsID available, gnomAD 0.003%). This variant has not been reported in the literature in individuals affected with TRAF3-related conditions. Algorithms developed to predict the effect of missense changes on protein structure and function output the following: SIFT: "Not Available"; PolyPhen-2: "Benign"; Align-GVGD: "Not Available". The serine amino acid residue is found in multiple mammalian species, which suggests that this missense change does not adversely affect protein function. In summary, the available evidence is currently insufficient to determine the role of this variant in disease. Therefore, it has been classified as a Variant of Uncertain Significance.

NM_145725.3(TRAF3):c.28C>T (p.Pro10Ser)

Gene: TRAF3 (TNF receptor associated factor 3; plus strand). Cytogenetic location: 14q32.32.
Variant type: single nucleotide variant.
Coding change: c.28C>T on transcript NM_145725.3 (MANE Select); coding-DNA position 28, C replaced by T.
Protein change: p.Pro10Ser; replaces proline 10 with serine.
Molecular consequence: missense variant.
Genome position (GRCh38, 1-based): chr14:102,870,229, C>T. VCF-style: chr14-102870229-C-T. GRCh37 (hg19) VCF-style: chr14-103336566-C-T.
Other names: c.28C>T, p.Pro10Ser (NM_001199427.2, NM_001385142.1, NM_001385143.1 and 2 more transcripts); short protein forms P10S.
Identifiers: ClinVar variation 2973055 (VCV002973055.3), dbSNP rs1302170239, ClinGen allele CA391069553.